The following is an entry in ClinVar:

ClinVar aggregate classification (germline): Uncertain significance (1 of 4 stars; one submission).

Submission:

Labcorp Genetics (formerly Invitae), Labcorp
Classification: Uncertain significance. Last evaluated: 2025-09-24. Review status: criteria provided, single submitter. Criteria: Invitae Variant Classification Sherloc (09022015). Collection method: clinical testing. Allele origin: germline.
Comment: This sequence change replaces arginine, which is basic and polar, with lysine, which is basic and polar, at codon 117 of the A2ML1 protein (p.Arg117Lys). This variant is not present in population databases (gnomAD no frequency). This variant has not been reported in the literature in individuals affected with A2ML1-related conditions. An algorithm developed to predict the effect of missense changes on protein structure and function (PolyPhen-2) suggests that this variant is likely to be tolerated. In summary, the available evidence is currently insufficient to determine the role of this variant in disease. Therefore, it has been classified as a Variant of Uncertain Significance.

NM_144670.6(A2ML1):c.350G>A (p.Arg117Lys)

Genes: A2ML1-AS1 (A2ML1 antisense RNA 1; minus strand), A2ML1 (alpha-2-macroglobulin like 1; plus strand). Cytogenetic location: 12p13.31.
Variant type: single nucleotide variant.
Coding change: c.350G>A on transcript NM_144670.6 (MANE Select); coding-DNA position 350, G replaced by A.
Protein change: p.Arg117Lys; replaces arginine 117 with lysine.
Molecular consequence: missense variant.
Genome position (GRCh38, 1-based): chr12:8,823,823, G>A. VCF-style: chr12-8823823-G-A. GRCh37 (hg19) VCF-style: chr12-8976419-G-A.
Other names: short protein forms R117K.
Identifiers: ClinVar variation 4805004 (VCV004805004.1).
Genomic context (GRCh38, chr12:8,823,823, plus strand): 5'-GGGTGTCGGGAGTTGGAAATAACATCAGCTTTGAGGAGAAGAAAAAGGTTCTAATTCAGA[G>A]GCAGGGGAACGGCACCTTTGTACAGACTGACAAACCTCTCTACACCCCAGGGCAGCAAGG-3'
Protein context (NP_653271.3, residues 107-127): FEEKKKVLIQ[Arg117Lys]QGNGTFVQTD